The following is an entry in ClinVar:

NM_201548.5(CERKL):c.1598A>T (p.Ter533Leu)

Genes: CERKL (CERK like autophagy regulator; minus strand), ITGA4 (integrin subunit alpha 4; plus strand). Cytogenetic location: 2q31.3.
Variant type: single nucleotide variant.
Coding change: c.1598A>T on transcript NM_201548.5 (MANE Select); coding-DNA position 1598, A replaced by T.
Protein change: p.Ter533Leu.
Molecular consequence: stop lost. On other transcripts: 3 prime UTR variant (1), non-coding transcript variant (2).
Genome position (GRCh38, 1-based): chr2:181,538,185, T>A on the plus strand (A>T on the coding strand, the complement: CERKL is on the minus strand). VCF-style: chr2-181538185-T-A. GRCh37 (hg19) VCF-style: chr2-182402912-T-A.
Other names: *533L; *420L; *515L; *559L; c.*2658T>A (NM_000885.6); c.1676A>T, p.Ter559Leu (NM_001030311.3); c.1259A>T, p.Ter420Leu (NM_001030312.3); c.1391A>T, p.Ter464Leu (NM_001030313.3); and 1 more.
Identifiers: ClinVar variation 939114 (VCV000939114.10), dbSNP rs1687284904, ClinGen allele CA349732560.

ClinVar aggregate classification (germline): Uncertain significance. Review status: criteria provided, multiple submitters, no conflicts (2 of 4 stars). 2 submissions from 2 submitters: Uncertain significance (2). Last evaluated 2019-10-14.

Submissions (2):

Blueprint Genetics
Classification: Uncertain significance. Last evaluated: 2019-10-14. Review status: criteria provided, single submitter. Criteria: ACMG Guidelines, 2015. Collection method: clinical testing. Allele origin: germline.

Labcorp Genetics (formerly Invitae), Labcorp
Classification: Uncertain significance. Last evaluated: 2019-09-03. Review status: criteria provided, single submitter. Criteria: Invitae Variant Classification Sherloc (09022015). Collection method: clinical testing. Allele origin: germline.
Comment: This sequence change disrupts the translational stop signal of the CERKL mRNA. It is expected to extend the length of the CERKL protein by 16 additional amino acid residues. This variant has not been reported in the literature in individuals with CERKL-related conditions. This variant is not present in population databases (ExAC no frequency). In summary, the available evidence is currently insufficient to determine the role of this variant in disease. Therefore, it has been classified as a Variant of Uncertain Significance. Experimental studies and prediction algorithms are not available or were not evaluated for this variant, and the functional significance of this variant is currently unknown.